The following is an entry in ClinVar:

ClinVar aggregate classification (germline): Uncertain significance. Review status: criteria provided, multiple submitters, no conflicts (2 of 4 stars). 2 submissions from 2 submitters: Uncertain significance (2). Last evaluated 2024-10-30.

Conditions:
Cardiovascular phenotype. Identifiers: MedGen CN230736.
Catecholaminergic polymorphic ventricular tachycardia 1. Also called: RYR2-Related Catecholaminergic Polymorphic Ventricular Tachycardia; VENTRICULAR TACHYCARDIA, STRESS-INDUCED POLYMORPHIC 1; VENTRICULAR TACHYCARDIA, CATECHOLAMINERGIC POLYMORPHIC, 1, WITH OR WITHOUT ATRIAL DYSFUNCTION AND/OR DILATED CARDIOMYOPATHY. Identifiers: Orphanet 3286, MedGen C1631597, MONDO:0011484, OMIM 604772.

Allele frequency attached by ClinVar (database versions not stated): gnomAD exomes below 0.00001.
gnomAD v4.1: 6 of 1,598,900 alleles (0.00038%); highest among the groups gnomAD compares: Non-Finnish European, 0.00051%; no homozygotes.

Submissions (2):

Labcorp Genetics (formerly Invitae), Labcorp
Classification: Uncertain significance for Catecholaminergic polymorphic ventricular tachycardia 1. Last evaluated: 2024-10-30. Review status: criteria provided, single submitter. Criteria: Invitae Variant Classification Sherloc (09022015). Collection method: clinical testing. Allele origin: germline.
Comment: This sequence change falls in intron 73 of the RYR2 gene. It does not directly change the encoded amino acid sequence of the RYR2 protein. It affects a nucleotide within the consensus splice site. The frequency data for this variant in the population databases is considered unreliable, as metrics indicate poor data quality at this position in the gnomAD database. This variant has not been reported in the literature in individuals affected with RYR2-related conditions. ClinVar contains an entry for this variant (Variation ID: 1035748). Variants that disrupt the consensus splice site are a relatively common cause of aberrant splicing (PMID: 17576681, 9536098). Algorithms developed to predict the effect of sequence changes on RNA splicing suggest that this variant is not likely to affect RNA splicing. In summary, the available evidence is currently insufficient to determine the role of this variant in disease. Therefore, it has been classified as a Variant of Uncertain Significance.

Ambry Genetics
Classification: Uncertain significance for Cardiovascular phenotype. Last evaluated: 2022-10-21. Review status: criteria provided, single submitter. Criteria: Ambry Variant Classification Scheme 2023. Collection method: clinical testing. Allele origin: germline.
Comment: The c.10555-3C>T intronic variant results from a C to T substitution 3 nucleotides upstream from coding exon 74 in the RYR2 gene. This nucleotide position is well conserved in available vertebrate species. In silico splice site analysis predicts that this alteration will not have any significant effect on splicing. Since supporting evidence is limited at this time, the clinical significance of this alteration remains unclear.

Literature cited by the submitters: PubMed 17576681 (cited by Labcorp Genetics (formerly Invitae), Labcorp); PubMed 9536098 (cited by Labcorp Genetics (formerly Invitae), Labcorp).

NM_001035.3(RYR2):c.10555-3C>T

Gene: RYR2 (ryanodine receptor 2; plus strand). Cytogenetic location: 1q43.
Variant type: single nucleotide variant.
Coding change: c.10555-3C>T on transcript NM_001035.3 (MANE Select); 3 bases into the intron before coding-DNA position 10555, C replaced by T.
Molecular consequence: intron variant.
Genome position (GRCh38, 1-based): chr1:237,723,125, C>T. VCF-style: chr1-237723125-C-T. GRCh37 (hg19) VCF-style: chr1-237886425-C-T.
Identifiers: ClinVar variation 1035748 (VCV001035748.12), dbSNP rs1202806553, ClinGen allele CA529546701.
Genomic context (GRCh38, chr1:237,723,125, plus strand): 5'-TAGATTGTAACCTTGTTTTTAGATTCCCATCTTCCCATTGTAACCTTTTCCTTTTTTCTG[C>T]AGTTGGAGGATCCTGCTATTAGATGGCAAATGGCTCTTTACAAAGACTTACCAAACAGGA-3'